The following is an entry in ClinVar:

ClinVar aggregate classification (germline): Uncertain significance. Review status: criteria provided, multiple submitters, no conflicts (2 of 4 stars). 2 submissions from 2 submitters: Uncertain significance (2). Last evaluated 2025-08-04.

Conditions:
Emery-Dreifuss muscular dystrophy 5, autosomal dominant (EDMD5). Also called: EMERY-DREIFUSS MUSCULAR DYSTROPHY 5. Identifiers: Orphanet 261, MedGen C2751805, MONDO:0013072, OMIM 612999.

Submissions (2):

Ambry Genetics
Classification: Uncertain significance. Last evaluated: 2025-08-04. Review status: criteria provided, single submitter. Criteria: Ambry Variant Classification Scheme 2023. Collection method: clinical testing. Allele origin: germline.

Labcorp Genetics (formerly Invitae), Labcorp
Classification: Uncertain significance for Emery-Dreifuss muscular dystrophy 5, autosomal dominant. Last evaluated: 2023-02-24. Review status: criteria provided, single submitter. Criteria: Invitae Variant Classification Sherloc (09022015). Collection method: clinical testing. Allele origin: germline.
Comment: In summary, the available evidence is currently insufficient to determine the role of this variant in disease. Therefore, it has been classified as a Variant of Uncertain Significance. An algorithm developed to predict the effect of missense changes on protein structure and function (PolyPhen-2) suggests that this variant is likely to be tolerated. This variant has not been reported in the literature in individuals affected with SYNE2-related conditions. This variant is not present in population databases (gnomAD no frequency). This sequence change replaces lysine, which is basic and polar, with glutamic acid, which is acidic and polar, at codon 1926 of the SYNE2 protein (p.Lys1926Glu).

NM_182914.3(SYNE2):c.5776A>G (p.Lys1926Glu)

Gene: SYNE2 (spectrin repeat containing nuclear envelope protein 2; plus strand). Cytogenetic location: 14q23.2.
Variant type: single nucleotide variant.
Coding change: c.5776A>G on transcript NM_182914.3 (MANE Select); coding-DNA position 5776, A replaced by G.
Protein change: p.Lys1926Glu; replaces lysine 1926 with glutamic acid.
Molecular consequence: missense variant.
Genome position (GRCh38, 1-based): chr14:64,024,395, A>G. VCF-style: chr14-64024395-A-G. GRCh37 (hg19) VCF-style: chr14-64491113-A-G.
Other names: c.5776A>G (NM_182914.2); c.5776A>G, p.Lys1926Glu (NM_015180.6); short protein forms K1926E.
Identifiers: ClinVar variation 2997676 (VCV002997676.4), dbSNP rs2551138756, ClinGen allele CA389944070.